The following is an entry in ClinVar:

ClinVar aggregate classification (germline): Uncertain significance (1 of 4 stars; one submission).

Submission:

GeneDx
Classification: Uncertain significance. Last evaluated: 2025-06-11. Review status: criteria provided, single submitter. Criteria: GeneDx Variant Classification Process June 2021. Collection method: clinical testing. Allele origin: germline.
Comment: Not observed at significant frequency in large population cohorts (gnomAD); In silico analysis supports that this missense variant has a deleterious effect on protein structure/function; Has not been previously published as pathogenic or benign to our knowledge

NM_001370100.5(ZMYND11):c.185A>T (p.Asp62Val)

Gene: ZMYND11 (zinc finger MYND-type containing 11; plus strand). Cytogenetic location: 10p15.3.
Variant type: single nucleotide variant.
Coding change: c.185A>T on transcript NM_001370100.5 (MANE Select); coding-DNA position 185, A replaced by T.
Protein change: p.Asp62Val; replaces aspartic acid 62 with valine.
Molecular consequence: missense variant. On other transcripts: non-coding transcript variant (1), intron variant (1).
Genome position (GRCh38, 1-based): chr10:209,957, A>T. VCF-style: chr10-209957-A-T. GRCh37 (hg19) VCF-style: chr10-255897-A-T.
Other names: c.185A>T, p.Asp62Val (NM_001161482.1, NM_001202464.3, NM_001202465.3 and 25 more transcripts); c.134A>T, p.Asp45Val (NM_001330057.3, NM_001370112.2, NM_001370123.2); c.119A>T, p.Asp40Val (NM_001370116.2, NM_001370120.2); c.65A>T, p.Asp22Val (NM_001370118.2, NM_001370121.2); c.-33-26881A>T (NM_001370124.3); short protein forms D22V, D40V, D45V, D62V.
Identifiers: ClinVar variation 2576855 (VCV002576855.2), dbSNP rs2539337623, ClinGen allele CA375841943.